The following is an entry in ClinVar:

NM_020184.4(CNNM4):c.1587G>A (p.Lys529=)

Gene: CNNM4 (cyclin and CBS domain divalent metal cation transport mediator 4; plus strand). Cytogenetic location: 2q11.2.
Variant type: single nucleotide variant.
Coding change: c.1587G>A on transcript NM_020184.4 (MANE Select); coding-DNA position 1587, G replaced by A.
Protein change: p.Lys529=; no amino-acid change (lysine 529 retained).
Molecular consequence: synonymous variant.
Genome position (GRCh38, 1-based): chr2:96,797,553, G>A. VCF-style: chr2-96797553-G-A. GRCh37 (hg19) VCF-style: chr2-97463290-G-A.
Other names: c.1587G>A (NM_020184.3).
Identifiers: ClinVar variation 498665 (VCV000498665.11), dbSNP rs569907931, ClinGen allele CA1783407.

ClinVar aggregate classification (germline): Conflicting classifications of pathogenicity. Review status: criteria provided, conflicting classifications (1 of 4 stars). 4 submissions from 4 submitters: Uncertain significance (1); Likely benign (2). 1 of the submissions does not count toward it. Last evaluated 2025-12-09.

Conditions:
CNNM4-related disorder. Also called: CNNM4-related condition.

Allele frequency attached by ClinVar (database versions not stated): gnomAD exomes 0.00001 and 0.00008; TOPMed 0.00003; ExAC 0.00004; gnomAD 0.00006; 1000 Genomes Project 0.00020; 1000 Genomes Project 30x 0.00016.

Submissions (4):

Labcorp Genetics (formerly Invitae), Labcorp
Classification: Likely benign. Last evaluated: 2025-12-09. Review status: criteria provided, single submitter. Criteria: Invitae Variant Classification Sherloc (09022015). Collection method: clinical testing. Allele origin: germline.

Blueprint Genetics
Classification: Likely benign. Last evaluated: 2021-07-05. Review status: criteria provided, single submitter. Criteria: ACMG Guidelines, 2015. Collection method: clinical testing. Allele origin: germline.

Eurofins Ntd Llc (ga)
Classification: Uncertain significance. Last evaluated: 2016-12-02. Review status: criteria provided, single submitter. Criteria: EGL Classification Definitions 2015. Collection method: clinical testing. Allele origin: germline. Observed: 1 variant allele, 1 heterozygote.

PreventionGenetics, part of Exact Sciences
Classification: Likely benign for CNNM4-related condition. Last evaluated: 2019-06-20. Review status: no assertion criteria provided. Collection method: clinical testing. Allele origin: germline. Not counted in ClinVar's aggregate classification.
Comment: This variant is classified as likely benign based on ACMG/AMP sequence variant interpretation guidelines (Richards et al. 2015 PMID: 25741868, with internal and published modifications).